The following is an entry in ClinVar:

ClinVar aggregate classification (germline): Uncertain significance (1 of 4 stars; one submission).

Submission:

GeneDx
Classification: Uncertain significance. Last evaluated: 2024-07-11. Review status: criteria provided, single submitter. Criteria: GeneDx Variant Classification Process June 2021. Collection method: clinical testing. Allele origin: germline. Affected: yes.
Comment: Not observed at significant frequency in large population cohorts (gnomAD); Missense variants in this gene are a common cause of disease and they are underrepresented in the general population; In silico analysis supports that this missense variant has a deleterious effect on protein structure/function; Has not been previously published as pathogenic or benign to our knowledge; This variant is associated with the following publications: (PMID: 20829227)

NM_006086.4(TUBB3):c.29G>A (p.Gly10Asp)

Genes: TUBB3 (tubulin beta 3 class III; plus strand), LOC130059847 (ATAC-STARR-seq lymphoblastoid silent region 7932; plus strand). Cytogenetic location: 16q24.3.
Variant type: single nucleotide variant.
Coding change: c.29G>A on transcript NM_006086.4 (MANE Select); coding-DNA position 29, G replaced by A.
Protein change: p.Gly10Asp; replaces glycine 10 with aspartic acid.
Molecular consequence: missense variant. On other transcripts: intron variant (1).
Genome position (GRCh38, 1-based): chr16:89,923,430, G>A. VCF-style: chr16-89923430-G-A. GRCh37 (hg19) VCF-style: chr16-89989838-G-A.
Other names: c.-160+1185G>A (NM_001197181.2); short protein forms G10D.
Identifiers: ClinVar variation 3572738 (VCV003572738.1).